The following is an entry in ClinVar:

NM_024675.4(PALB2):c.926T>A (p.Ile309Lys)

Gene: PALB2 (partner and localizer of BRCA2; minus strand). Cytogenetic location: 16p12.2.
Variant type: single nucleotide variant.
Coding change: c.926T>A on transcript NM_024675.4 (MANE Select); coding-DNA position 926, T replaced by A.
Protein change: p.Ile309Lys; replaces isoleucine 309 with lysine.
Molecular consequence: missense variant.
Genome position (GRCh38, 1-based): chr16:23,635,620, A>T on the plus strand (T>A on the coding strand, the complement: PALB2 is on the minus strand). VCF-style: chr16-23635620-A-T. GRCh37 (hg19) VCF-style: chr16-23646941-A-T.
Other names: short protein forms I309K.
Identifiers: ClinVar variation 964376 (VCV000964376.10), dbSNP rs201588519, ClinGen allele CA395135290.

ClinVar aggregate classification (germline): Uncertain significance (1 of 4 stars; one submission).

Conditions:
Familial cancer of breast. Also called: BREAST CANCER, FAMILIAL; Hereditary breast cancer; hereditary breast carcinoma. Identifiers: Orphanet 227535, MedGen C0346153, MONDO:0016419, OMIM 114480. Disease mechanism: loss of function.

Allele frequency attached by ClinVar (database versions not stated): gnomAD 0.00001.

Submission:

Labcorp Genetics (formerly Invitae), Labcorp
Classification: Uncertain significance for Familial cancer of breast. Last evaluated: 2019-09-16. Review status: criteria provided, single submitter. Criteria: Invitae Variant Classification Sherloc (09022015). Collection method: clinical testing. Allele origin: germline.
Comment: In summary, the available evidence is currently insufficient to determine the role of this variant in disease. Therefore, it has been classified as a Variant of Uncertain Significance. Algorithms developed to predict the effect of missense changes on protein structure and function (SIFT, PolyPhen-2, Align-GVGD) all suggest that this variant is likely to be tolerated, but these predictions have not been confirmed by published functional studies and their clinical significance is uncertain. This variant has not been reported in the literature in individuals with PALB2-related conditions. This variant is not present in population databases (ExAC no frequency). This sequence change replaces isoleucine with lysine at codon 309 of the PALB2 protein (p.Ile309Lys). The isoleucine residue is weakly conserved and there is a moderate physicochemical difference between isoleucine and lysine.